The following is an entry in ClinVar:

NM_176824.3(BBS7):c.1505A>G (p.His502Arg)

Gene: BBS7 (Bardet-Biedl syndrome 7; minus strand). Cytogenetic location: 4q27.
Variant type: single nucleotide variant.
Coding change: c.1505A>G on transcript NM_176824.3 (MANE Select); coding-DNA position 1505, A replaced by G.
Protein change: p.His502Arg; replaces histidine 502 with arginine.
Molecular consequence: missense variant.
Genome position (GRCh38, 1-based): chr4:121,835,150, T>C on the plus strand (A>G on the coding strand, the complement: BBS7 is on the minus strand). VCF-style: chr4-121835150-T-C. GRCh37 (hg19) VCF-style: chr4-122756305-T-C.
Other names: c.1505A>G, p.His502Arg (NM_018190.4); short protein forms H502R.
Identifiers: ClinVar variation 347482 (VCV000347482.18), dbSNP rs114718913, ClinGen allele CA3064214.

ClinVar aggregate classification (germline): Conflicting classifications of pathogenicity. Review status: criteria provided, conflicting classifications (1 of 4 stars). 5 submissions from 5 submitters: Uncertain significance (1); Benign (3). 1 of the submissions does not count toward it. Last evaluated 2026-01-31.

Conditions:
Bardet-Biedl syndrome (BBS). Identifiers: Orphanet 110, MedGen C0752166, MONDO:0015229.
Bardet-Biedl syndrome 7 (BBS7). Identifiers: Orphanet 110, MedGen C1859565, MONDO:0014435, OMIM 615984.
Bardet-Biedl syndrome 1 (BBS1). Identifiers: MedGen C2936862, MONDO:0008854, OMIM 209900. Disease mechanism: loss of function.

Allele frequency attached by ClinVar (database versions not stated): gnomAD exomes 0.00050 and 0.00143; ExAC 0.00185; 1000 Genomes Project 0.00479; 1000 Genomes Project 30x 0.00500; gnomAD 0.00542 and 0.00589; TOPMed 0.00605; ESP Exome Variant Server 0.00669.

Submissions (5):

Labcorp Genetics (formerly Invitae), Labcorp
Classification: Benign for Bardet-Biedl syndrome. Last evaluated: 2026-01-31. Review status: criteria provided, single submitter. Criteria: Invitae Variant Classification Sherloc (09022015). Collection method: clinical testing. Allele origin: germline.

Illumina Laboratory Services, Illumina
Classification: Benign for Bardet-Biedl syndrome 7. Last evaluated: 2018-01-12. Review status: criteria provided, single submitter. Criteria: ICSL Variant Classification Criteria 13 December 2019. Collection method: clinical testing. Allele origin: germline.
Comment: This variant was observed in the ICSL laboratory as part of a predisposition screen in an ostensibly healthy population. It had not been previously curated by ICSL or reported in the Human Gene Mutation Database (HGMD: prior to June 1st, 2018), and was therefore a candidate for classification through an automated scoring system. Utilizing variant allele frequency, disease prevalence and penetrance estimates, and inheritance mode, an automated score was calculated to assess if this variant is too frequent to cause the disease. Based on the score and internal cut-off values, a variant classified as benign is not then subjected to further curation. The score for this variant resulted in a classification of benign for this disease.

GeneDx
Classification: Uncertain significance. Last evaluated: 2016-02-21. Review status: criteria provided, single submitter. Criteria: GeneDx Variant Classification (06012015). Collection method: clinical testing. Allele origin: germline. Affected: yes.
Comment: The H502R variant in the BBS7 gene has not been reported previously as a pathogenic variant, nor as a benign variant, to our knowledge. Although not present in the homozygous state, the NHLBI ESP Exome Sequencing Project reports H502R was observed in 87/4406 alleles (1.97%) from individuals of African American background, indicating it may be a rare variant in this population. The H502R variant is a conservative amino acid substitution, which is not likely to impact secondary protein structure as these residues share similar properties. This substitution occurs at a position that is conserved in mammals. In silico analysis is inconsistent in its predictions as to whether or not the variant is damaging to the protein structure/function. We interpret H502R as a variant of uncertain significance.

Genome Diagnostics Laboratory, University Medical Center Utrecht
Classification: Benign for Bardet-Biedl syndrome 1. Last evaluated: 2015-11-04. Review status: criteria provided, single submitter. Criteria: ACGS Guidelines, 2013. Collection method: clinical testing. Allele origin: germline. Affected: yes. Study: VKGL Data-share Consensus.

Clinical Genetics, Academic Medical Center
Classification: Benign. Review status: no assertion criteria provided. Collection method: clinical testing. Allele origin: germline. Affected: yes. Study: VKGL Data-share Consensus. Not counted in ClinVar's aggregate classification.